The following is an entry in ClinVar:

ClinVar aggregate classification (germline): Uncertain significance (1 of 4 stars; one submission).

Allele frequency attached by ClinVar (database versions not stated): gnomAD exomes below 0.00001; ExAC 0.00002; ESP Exome Variant Server 0.00008.
gnomAD v4.1: 3 of 1,592,194 alleles (0.00019%); highest among the groups gnomAD compares: Non-Finnish European, 0.00026%; no homozygotes.

Submission:

Labcorp Genetics (formerly Invitae), Labcorp
Classification: Uncertain significance. Last evaluated: 2023-03-04. Review status: criteria provided, single submitter. Criteria: Invitae Variant Classification Sherloc (09022015). Collection method: clinical testing. Allele origin: germline.
Comment: Advanced modeling of protein sequence and biophysical properties (such as structural, functional, and spatial information, amino acid conservation, physicochemical variation, residue mobility, and thermodynamic stability) has been performed at Invitae for this missense variant, however the output from this modeling did not meet the statistical confidence thresholds required to predict the impact of this variant on ARID1A protein function. In summary, the available evidence is currently insufficient to determine the role of this variant in disease. Therefore, it has been classified as a Variant of Uncertain Significance. This variant has not been reported in the literature in individuals affected with ARID1A-related conditions. This sequence change replaces arginine, which is basic and polar, with cysteine, which is neutral and slightly polar, at codon 1551 of the ARID1A protein (p.Arg1551Cys). This variant is present in population databases (rs141670393, gnomAD 0.002%).

NM_006015.6(ARID1A):c.4651C>T (p.Arg1551Cys)

Gene: ARID1A (AT-rich interaction domain 1A; plus strand). Cytogenetic location: 1p36.11.
Variant type: single nucleotide variant.
Coding change: c.4651C>T on transcript NM_006015.6 (MANE Select); coding-DNA position 4651, C replaced by T.
Protein change: p.Arg1551Cys; replaces arginine 1551 with cysteine.
Molecular consequence: missense variant. On other transcripts: intron variant (1).
Genome position (GRCh38, 1-based): chr1:26,774,878, C>T. VCF-style: chr1-26774878-C-T. GRCh37 (hg19) VCF-style: chr1-27101369-C-T.
Other names: c.4102-102C>T (NM_139135.4); short protein forms R1551C.
Identifiers: ClinVar variation 2909559 (VCV002909559.3), dbSNP rs141670393, ClinGen allele CA707496.